The following is an entry in ClinVar:

NM_130468.4(CHST14):c.4T>C (p.Phe2Leu)

Genes: CHST14 (carbohydrate sulfotransferase 14; plus strand), LOC130056851 (ATAC-STARR-seq lymphoblastoid silent region 6336; plus strand). Cytogenetic location: 15q15.1.
Variant type: single nucleotide variant.
Coding change: c.4T>C on transcript NM_130468.4 (MANE Select); coding-DNA position 4, T replaced by C.
Protein change: p.Phe2Leu; replaces phenylalanine 2 with leucine.
Molecular consequence: missense variant.
Genome position (GRCh38, 1-based): chr15:40,471,217, T>C. VCF-style: chr15-40471217-T-C. GRCh37 (hg19) VCF-style: chr15-40763416-T-C.
Other names: short protein forms F2L.
Identifiers: ClinVar variation 3492693 (VCV003492693.1).

ClinVar aggregate classification (germline): Uncertain significance (1 of 4 stars; one submission).

Conditions:
Cardiovascular phenotype. Identifiers: MedGen CN230736.

Submission:

Ambry Genetics
Classification: Uncertain significance for Cardiovascular phenotype. Last evaluated: 2024-10-27. Review status: criteria provided, single submitter. Criteria: Ambry Variant Classification Scheme 2023. Collection method: clinical testing. Allele origin: germline.
Comment: The p.F2L variant (also known as c.4T>C), located in coding exon 1 of the CHST14 gene, results from a T to C substitution at nucleotide position 4. The phenylalanine at codon 2 is replaced by leucine, an amino acid with highly similar properties. This amino acid position is conserved. In addition, this alteration is predicted to be tolerated by in silico analysis. Based on the available evidence, the clinical significance of this variant remains unclear.